The following is an entry in ClinVar:

ClinVar aggregate classification (germline): Uncertain significance. Review status: criteria provided, multiple submitters, no conflicts (2 of 4 stars). 3 submissions from 3 submitters: Uncertain significance (3). Last evaluated 2025-12-18.

Conditions:
Mitochondrial complex II deficiency, nuclear type 1. Also called: SUCCINATE CoQ REDUCTASE DEFICIENCY. Identifiers: Orphanet 3208, MedGen C5700310, MONDO:0100294, OMIM 252011.
Pheochromocytoma/paraganglioma syndrome 5. Also called: Paragangliomas 5; SDHA-Related Hereditary Paraganglioma-Pheochromocytoma Syndrome. Identifiers: Orphanet 29072, MedGen C3279992, MONDO:0013602, OMIM 614165.
Hereditary cancer-predisposing syndrome. Also called: Neoplastic Syndromes, Hereditary; Hereditary neoplastic syndrome; Tumor predisposition; Hereditary Cancer Syndrome. Identifiers: Orphanet 140162, MedGen C0027672, MeSH D009386, MONDO:0015356.

Allele frequency attached by ClinVar (database versions not stated): gnomAD exomes below 0.00001; gnomAD 0.00001.
gnomAD v4.1: 2 of 1,613,588 alleles (0.00012%); highest among the groups gnomAD compares: African/African-American, 0.0027%; no homozygotes.

Submissions (3):

Labcorp Genetics (formerly Invitae), Labcorp
Classification: Uncertain significance for Pheochromocytoma/paraganglioma syndrome 5; Mitochondrial complex II deficiency, nuclear type 1. Last evaluated: 2025-12-18. Review status: criteria provided, single submitter. Criteria: Invitae Variant Classification Sherloc (09022015). Collection method: clinical testing. Allele origin: germline.
Comment: This sequence change replaces valine, which is neutral and non-polar, with methionine, which is neutral and non-polar, at codon 563 of the SDHA protein (p.Val563Met). This variant is not present in population databases (gnomAD no frequency). This variant has not been reported in the literature in individuals affected with SDHA-related conditions. ClinVar contains an entry for this variant (Variation ID: 854720). Invitae Evidence Modeling of protein sequence and biophysical properties (such as structural, functional, and spatial information, amino acid conservation, physicochemical variation, residue mobility, and thermodynamic stability) indicates that this missense variant is not expected to disrupt SDHA protein function with a negative predictive value of 95%. In summary, the available evidence is currently insufficient to determine the role of this variant in disease. Therefore, it has been classified as a Variant of Uncertain Significance.

Quest Diagnostics Nichols Institute San Juan Capistrano
Classification: Uncertain significance. Last evaluated: 2024-09-25. Review status: criteria provided, single submitter. Criteria: Quest Diagnostics criteria. Collection method: clinical testing. Allele origin: unknown.
Comment: The SDHA c.1687G>A (p.Val563Met) variant has been reported in the published literature as a somatic variant in an individual with intraductal papillary mucinous neoplasm (IPMN) (PMID: 38416847 (2024)). The frequency of this variant in the general population, 0.0000066 (1/152158 chromosomes (Genome Aggregation Database)), is uninformative in the assessment of its pathogenicity. Analysis of this variant using bioinformatics tools for the prediction of the effect of amino acid changes on protein structure and function yielded predictions that this variant is damaging. Based on the available information, we are unable to determine the clinical significance of this variant.

Ambry Genetics
Classification: Uncertain significance for Hereditary cancer-predisposing syndrome. Last evaluated: 2023-09-06. Review status: criteria provided, single submitter. Criteria: Ambry Variant Classification Scheme 2023. Collection method: clinical testing. Allele origin: germline.
Comment: The p.V563M variant (also known as c.1687G>A), located in coding exon 13 of the SDHA gene, results from a G to A substitution at nucleotide position 1687. The valine at codon 563 is replaced by methionine, an amino acid with highly similar properties. This amino acid position is highly conserved in available vertebrate species. In addition, the in silico prediction for this alteration is inconclusive. Since supporting evidence is limited at this time, the clinical significance of this alteration remains unclear.

Literature cited by the submitters: PubMed 38416847 (cited by Quest Diagnostics Nichols Institute San Juan Capistrano).

NM_004168.4(SDHA):c.1687G>A (p.Val563Met)

Gene: SDHA (succinate dehydrogenase complex flavoprotein subunit A; plus strand). Cytogenetic location: 5p15.33.
Variant type: single nucleotide variant.
Coding change: c.1687G>A on transcript NM_004168.4 (MANE Select); coding-DNA position 1687, G replaced by A.
Protein change: p.Val563Met; replaces valine 563 with methionine.
Molecular consequence: missense variant. On other transcripts: intron variant (1).
Genome position (GRCh38, 1-based): chr5:251,361, G>A. VCF-style: chr5-251361-G-A. GRCh37 (hg19) VCF-style: chr5-251476-G-A.
Other names: c.1543G>A, p.Val515Met (NM_001294332.2); c.1552-3032G>A (NM_001330758.2); short protein forms V563M, V515M.
Identifiers: ClinVar variation 854720 (VCV000854720.12), dbSNP rs1736814459, ClinGen allele CA358999938.